The following is an entry in ClinVar:

NM_001267550.2(TTN):c.76940C>G (p.Ser25647Ter)

Genes: TTN (titin; minus strand), TTN-AS1 (TTN antisense RNA 1; plus strand). Cytogenetic location: 2q31.2.
Variant type: single nucleotide variant.
Coding change: c.76940C>G on transcript NM_001267550.2 (MANE Select); coding-DNA position 76940, C replaced by G.
Protein change: p.Ser25647Ter; replaces serine 25647 with a stop codon.
Molecular consequence: nonsense.
Genome position (GRCh38, 1-based): chr2:178,569,192, G>C on the plus strand (C>G on the coding strand, the complement: TTN is on the minus strand). VCF-style: chr2-178569192-G-C. GRCh37 (hg19) VCF-style: chr2-179433919-G-C.
Other names: c.72017C>G, p.Ser24006Ter (NM_001256850.1); c.49745C>G, p.Ser16582Ter (NM_003319.4); c.69236C>G, p.Ser23079Ter (NM_133378.4); c.50120C>G, p.Ser16707Ter (NM_133432.3); c.50321C>G, p.Ser16774Ter (NM_133437.4); short protein forms S16582*, S16707*, S23079*, S24006*, S16774*, S25647*.
Identifiers: ClinVar variation 2451931 (VCV002451931.2), dbSNP rs2468395152, ClinGen allele CA349613246.

ClinVar aggregate classification (germline): Likely pathogenic (1 of 4 stars; one submission).

Conditions:
Cardiovascular phenotype. Identifiers: MedGen CN230736.

Submission:

Ambry Genetics
Classification: Likely pathogenic for Cardiovascular phenotype. Last evaluated: 2023-02-28. Review status: criteria provided, single submitter. Criteria: Ambry Variant Classification Scheme 2023. Collection method: clinical testing. Allele origin: germline.
Comment: The p.S16582* variant (also known as c.49745C>G), located in coding exon 153 of the TTN gene, results from a C to G substitution at nucleotide position 49745. This exon is located in the A-band region of the N2-B isoform of the titin protein and is constitutively expressed in TTN transcripts (percent spliced in or PSI 100%). This variant is considered to be rare based on population cohorts in the Genome Aggregation Database (gnomAD). This alteration is expected to result in loss of function by premature protein truncation or nonsense-mediated mRNA decay. While truncating variants in TTN are present in 1-3% of the general population, truncating variants in the A-band are the most common cause of dilated cardiomyopathy (DCM) (Herman DS et al. N. Engl. J. Med., 2012 Feb;366:619-28; Roberts AM et al. Sci Transl Med, 2015 Jan;7:270ra6). TTN truncating variants encoded in constitutive exons (PSI >90%) have been found to be significantly associated with DCM regardless of their position in titin (Schafer S et al. Nat. Genet., 2017 01;49:46-53). Based on the majority of available evidence to date, this variant is likely to be pathogenic.